The following is an entry in ClinVar:

NM_001322934.2(NFKB2):c.2347G>A (p.Asp783Asn)

Gene: NFKB2 (nuclear factor kappa B subunit 2; plus strand). Cytogenetic location: 10q24.32.
Variant type: single nucleotide variant.
Coding change: c.2347G>A on transcript NM_001322934.2 (MANE Select); coding-DNA position 2347, G replaced by A.
Protein change: p.Asp783Asn; replaces aspartic acid 783 with asparagine.
Molecular consequence: missense variant.
Genome position (GRCh38, 1-based): chr10:102,401,798, G>A. VCF-style: chr10-102401798-G-A. GRCh37 (hg19) VCF-style: chr10-104161555-G-A.
Other names: c.2347G>A, p.Asp783Asn (NM_001077494.3, NM_001261403.3, NM_001288724.1 and 1 more transcripts); c.2221G>A, p.Asp741Asn (NM_001322935.1); short protein forms D741N, D783N.
Identifiers: ClinVar variation 1413793 (VCV001413793.8), dbSNP rs751333753, ClinGen allele CA5665064.

ClinVar aggregate classification (germline): Uncertain significance (1 of 4 stars; one submission).

Conditions:
Immunodeficiency, common variable, 10. Also called: DEFICIT IN ANTERIOR PITUITARY FUNCTION AND VARIABLE IMMUNODEFICIENCY; IMMUNODEFICIENCY, COMMON VARIABLE, WITH CENTRAL ADRENAL INSUFFICIENCY. Identifiers: MedGen C3809991, MONDO:0014260, OMIM 615577.

Allele frequency attached by ClinVar (database versions not stated): gnomAD exomes below 0.00001 and 0.00001; TOPMed below 0.00001; ExAC 0.00001; gnomAD 0.00001.
gnomAD v4.1: 9 of 1,613,680 alleles (0.00056%); highest among the groups gnomAD compares: Middle Eastern, 0.017%; no homozygotes.

Submission:

Labcorp Genetics (formerly Invitae), Labcorp
Classification: Uncertain significance for Immunodeficiency, common variable, 10. Last evaluated: 2025-01-13. Review status: criteria provided, single submitter. Criteria: Invitae Variant Classification Sherloc (09022015). Collection method: clinical testing. Allele origin: germline.
Comment: This sequence change replaces aspartic acid, which is acidic and polar, with asparagine, which is neutral and polar, at codon 783 of the NFKB2 protein (p.Asp783Asn). This variant is present in population databases (rs751333753, gnomAD 0.0009%). This variant has not been reported in the literature in individuals affected with NFKB2-related conditions. ClinVar contains an entry for this variant (Variation ID: 1413793). An algorithm developed to predict the effect of missense changes on protein structure and function (PolyPhen-2) suggests that this variant is likely to be tolerated. In summary, the available evidence is currently insufficient to determine the role of this variant in disease. Therefore, it has been classified as a Variant of Uncertain Significance.